The following is an entry in ClinVar:

NM_012309.5(SHANK2):c.2916C>T (p.Gly972=)

Gene: SHANK2 (SH3 and multiple ankyrin repeat domains 2; minus strand). Cytogenetic location: 11q13.3.
Variant type: single nucleotide variant.
Coding change: c.2916C>T on transcript NM_012309.5 (MANE Select); coding-DNA position 2916, C replaced by T.
Protein change: p.Gly972=; no amino-acid change (glycine 972 retained).
Molecular consequence: synonymous variant.
Genome position (GRCh38, 1-based): chr11:70,487,377, G>A on the plus strand (C>T on the coding strand, the complement: SHANK2 is on the minus strand). VCF-style: chr11-70487377-G-A. GRCh37 (hg19) VCF-style: chr11-70333482-G-A.
Other names: c.1779C>T, p.Gly593= (NM_001379226.1); c.3036C>T, p.Gly1012= (NM_001441024.1); c.2865C>T, p.Gly955= (NM_001441025.1, NM_001441026.1, NM_001441027.1 and 8 more transcripts); c.2838C>T, p.Gly946= (NM_001441035.1, NM_001441036.1, NM_001441037.1); c.2793C>T, p.Gly931= (NM_001441038.1); c.1749C>T, p.Gly583= (NM_001441040.1); c.1701C>T, p.Gly567= (NM_001441041.1); c.1143C>T, p.Gly381= (NM_001441042.1); and 6 more.
Identifiers: ClinVar variation 5038470 (VCV005038470.1).
Genomic context (GRCh38, chr11:70,487,377, plus strand): 5'-CACCTCTGAGTATGGGTTTTCTGGCATCTGGCCTCTCTTGTTGCGGAAGTTGGCTTGCGG[G>A]CCGGCATTCCGACTGTAGAGGTCTTCAGAGTCCAAGGAGTAGCGGTCCAGCTCTCTCCTG-3'
Protein context (NP_036441.2, residues 962-982): DSEDLYSRNA[Gly972=]PQANFRNKRG

ClinVar aggregate classification (germline): Likely benign (1 of 4 stars; one submission).

gnomAD v4.1: 25 of 1,614,022 alleles (0.0015%); highest among the groups gnomAD compares: Admixed American, 0.04%; no homozygotes.

Submission:

CeGaT Center for Human Genetics Tuebingen
Classification: Likely benign. Last evaluated: 2026-06-01. Review status: criteria provided, single submitter. Criteria: CeGaT Center For Human Genetics Tuebingen Variant Classification Criteria Version 2. Collection method: clinical testing. Allele origin: germline. Affected: yes. Observed: 1 variant allele.
Comment: SHANK2: BP4, BP7